The following is an entry in ClinVar:

ClinVar aggregate classification (germline): Uncertain significance (1 of 4 stars; one submission).

gnomAD v4.1: 9 of 1,180,145 alleles (0.00076%); highest among the groups gnomAD compares: Non-Finnish European, 0.001%; no homozygotes.

Submission:

Women's Health and Genetics/Laboratory Corporation of America, LabCorp
Classification: Uncertain significance. Last evaluated: 2024-09-26. Review status: criteria provided, single submitter. Criteria: LabCorp Variant Classification Summary - May 2015. Collection method: clinical testing. Allele origin: germline.
Comment: Variant summary: CYBB c.337G>A (p.Ala113Thr) results in a non-conservative amino acid change in the encoded protein sequence. Three of five in-silico tools predict a benign effect of the variant on protein function. Several computational tools predict a significant impact on normal splicing: Three predict the variant weakens a 5' donor site. One predict the variant no significant impact on splicing. However, these predictions have yet to be confirmed by functional studies. The variant was absent in 182359 control chromosomes. The available data on variant occurrences in the general population are insufficient to allow any conclusion about variant significance. c.337G>A has been reported in the literature in at least one individual affected with X-Linked Chronic Granulomatous Disease (Wu_2021). These report(s) do not provide unequivocal conclusions about association of the variant with X-Linked Chronic Granulomatous Disease. To our knowledge, no experimental evidence demonstrating an impact on protein function has been reported. The following publication has been ascertained in the context of this evaluation (PMID: 33963972). No submitters have cited clinical-significance assessments for this variant to ClinVar. Based on the evidence outlined above, the variant was classified as uncertain significance.

Literature cited by the submitters: PubMed 33963972.

NM_000397.4(CYBB):c.337G>A (p.Ala113Thr)

Gene: CYBB (cytochrome b-245 beta chain; plus strand). Cytogenetic location: Xp21.1.
Variant type: single nucleotide variant.
Coding change: c.337G>A on transcript NM_000397.4 (MANE Select); coding-DNA position 337, G replaced by A.
Protein change: p.Ala113Thr; replaces alanine 113 with threonine.
Molecular consequence: missense variant.
Genome position (GRCh38, 1-based): chrX:37,792,059, G>A. VCF-style: chrX-37792059-G-A. GRCh37 (hg19) VCF-style: chrX-37651312-G-A.
Other names: short protein forms A113T.
Identifiers: ClinVar variation 3375166 (VCV003375166.1).
Genomic context (GRCh38, chrX:37,792,059, plus strand): 5'-CAACTGGACAGGAATCTCACCTTTCATAAAATGGTGGCATGGATGATTGCACTTCACTCT[G>A]GTAAGTTTATTAAAGAAAACTTGGAACCAGGGAGTTCCCTCTATTCATAGATACCTTTTT-3'
Protein context (NP_000388.2, residues 103-123): MVAWMIALHS[Ala113Thr]IHTIAHLFNV